The following is an entry in ClinVar:

ClinVar aggregate classification (germline): Uncertain significance (1 of 4 stars; one submission).

Conditions:
Cardiovascular phenotype. Identifiers: MedGen CN230736.

Allele frequency attached by ClinVar (database versions not stated): gnomAD exomes below 0.00001.
gnomAD v4.1: 1 of 1,606,800 alleles (0.000062%); highest among the groups gnomAD compares: Non-Finnish European, 0.000085%; no homozygotes.

Submission:

Ambry Genetics
Classification: Uncertain significance for Cardiovascular phenotype. Last evaluated: 2019-09-05. Review status: criteria provided, single submitter. Criteria: Ambry Variant Classification Scheme 2023. Collection method: clinical testing. Allele origin: germline.
Comment: The p.H5457D variant (also known as c.16369C>G), located in coding exon 63 of the TTN gene, results from a C to G substitution at nucleotide position 16369. The histidine at codon 5457 is replaced by aspartic acid, an amino acid with similar properties. This amino acid position is highly conserved in available vertebrate species. In addition, the in silico prediction for this alteration is inconclusive. Since supporting evidence is limited at this time, the clinical significance of this alteration remains unclear.

NM_001267550.2(TTN):c.43564C>G (p.His14522Asp)

Gene: TTN (titin; minus strand). Cytogenetic location: 2q31.2.
Variant type: single nucleotide variant.
Coding change: c.43564C>G on transcript NM_001267550.2 (MANE Select); coding-DNA position 43564, C replaced by G.
Protein change: p.His14522Asp; replaces histidine 14522 with aspartic acid.
Molecular consequence: missense variant.
Genome position (GRCh38, 1-based): chr2:178,632,330, G>C on the plus strand (C>G on the coding strand, the complement: TTN is on the minus strand). VCF-style: chr2-178632330-G-C. GRCh37 (hg19) VCF-style: chr2-179497057-G-C.
Other names: c.38641C>G, p.His12881Asp (NM_001256850.1); c.16369C>G, p.His5457Asp (NM_003319.4); c.35860C>G, p.His11954Asp (NM_133378.4); c.16744C>G, p.His5582Asp (NM_133432.3); c.16945C>G, p.His5649Asp (NM_133437.4); short protein forms H14522D, H5457D, H11954D, H12881D, H5649D, H5582D.
Identifiers: ClinVar variation 1776929 (VCV001776929.2), dbSNP rs2471458354, ClinGen allele CA349650008.